The following is an entry in ClinVar:

NM_000525.4(KCNJ11):c.964G>A (p.Glu322Lys)

Gene: KCNJ11 (potassium inwardly rectifying channel subfamily J member 11; minus strand). Cytogenetic location: 11p15.1.
Variant type: single nucleotide variant.
Coding change: c.964G>A on transcript NM_000525.4 (MANE Select); coding-DNA position 964, G replaced by A.
Protein change: p.Glu322Lys; replaces glutamic acid 322 with lysine.
Molecular consequence: missense variant.
Genome position (GRCh38, 1-based): chr11:17,387,128, C>T on the plus strand (G>A on the coding strand, the complement: KCNJ11 is on the minus strand). VCF-style: chr11-17387128-C-T. GRCh37 (hg19) VCF-style: chr11-17408675-C-T.
Other names: c.703G>A, p.Glu235Lys (NM_001166290.2, NM_001377296.1, NM_001377297.1); short protein forms E322K, E235K.
Identifiers: ClinVar variation 21203 (VCV000021203.13), dbSNP rs193929355, ClinGen allele CA172352.

ClinVar aggregate classification (germline): Pathogenic. Review status: criteria provided, multiple submitters, no conflicts (2 of 4 stars). 5 submissions from 5 submitters: Pathogenic (3). 2 of the submissions do not count toward it. Last evaluated 2025-07-18.

Conditions:
Diabetes mellitus. Also called: Diabetes mellitus (disease). Identifiers: MedGen C0011849, MONDO:0005015, HP:0000819.
Transitory neonatal diabetes mellitus. Also called: Transient neonatal diabetes mellitus. Identifiers: MedGen C0342273, MONDO:0020525, HP:0008255.
Permanent neonatal diabetes mellitus (PNDM). Identifiers: Orphanet 99885, MedGen C1833104, MONDO:0100164, MONDO:0011643. Disease mechanism: gain of function.

Submissions (5):

Women's Health and Genetics/Laboratory Corporation of America, LabCorp
Classification: Pathogenic for Permanent neonatal diabetes mellitus. Last evaluated: 2025-07-18. Review status: criteria provided, single submitter. Criteria: LabCorp Variant Classification Summary - May 2015. Collection method: clinical testing. Allele origin: germline.
Comment: Variant summary: KCNJ11 c.964G>A (p.Glu322Lys) results in a conservative amino acid change in the encoded protein sequence. Algorithms developed to predict the effect of missense changes on protein structure and function are either unavailable or do not agree on the potential impact of this missense change. The variant was absent in 251488 control chromosomes. c.964G>A has been observed in individual(s) affected with Neonatal Diabetes Mellitus (e.g. Baiker_2016, Nieves-Rivera_2011), and observed de novo in at least one individual. These data indicate that the variant is likely to be associated with disease. To our knowledge, no experimental evidence demonstrating an impact on protein function has been reported. The following publications have been ascertained in the context of this evaluation (PMID: 27033559, 21682153). ClinVar contains an entry for this variant (Variation ID: 21203). Based on the evidence outlined above, the variant was classified as pathogenic.

Labcorp Genetics (formerly Invitae), Labcorp
Classification: Pathogenic. Last evaluated: 2023-07-08. Review status: criteria provided, single submitter. Criteria: Invitae Variant Classification Sherloc (09022015). Collection method: clinical testing. Allele origin: germline.
Comment: For these reasons, this variant has been classified as Pathogenic. Experimental studies have shown that this missense change affects KCNJ11 function (PMID: 17919178). Advanced modeling of protein sequence and biophysical properties (such as structural, functional, and spatial information, amino acid conservation, physicochemical variation, residue mobility, and thermodynamic stability) performed at Invitae indicates that this missense variant is expected to disrupt KCNJ11 protein function. ClinVar contains an entry for this variant (Variation ID: 21203). This missense change has been observed in individual(s) with autosomal dominant early onset diabetes (PMID: 15448107, 21544516, 21682153, 32935446). In at least one individual the variant was observed to be de novo. This variant is not present in population databases (gnomAD no frequency). This sequence change replaces glutamic acid, which is acidic and polar, with lysine, which is basic and polar, at codon 322 of the KCNJ11 protein (p.Glu322Lys).

Genetic Services Laboratory, University of Chicago
Classification: Pathogenic for Diabetes mellitus. Last evaluated: 2013-02-08. Review status: criteria provided, single submitter. Criteria: ACMG Guidelines, 2007. Collection method: clinical testing. Allele origin: germline. Inheritance: Autosomal unknown. Affected: yes.

GeneReviews
No classification provided. Condition: Permanent neonatal diabetes mellitus. Review status: no classification provided. Collection method: literature only. Allele origin: unknown. Not counted in ClinVar's aggregate classification.

Clinical Genomics, Uppaluri K&H Personalized Medicine Clinic
Classification: Uncertain significance for Transitory neonatal diabetes mellitus. Review status: flagged submission. Criteria: K & H Uppaluri Personalized Medicine Clinic Variant Classification & Assertion Criteria_Updated V.1. Collection method: research. Allele origin: somatic. Inheritance: Autosomal dominant inheritance. Not counted in ClinVar's aggregate classification.
Comment: Mutations in KCNJ11 gene can cause decreased production and secretion of insulin. This can lead to MODY which may be responsive to oral sulfonylureas. It is also associated with Neonatal Diabetes. However, no sufficient evidence is found to ascertain the role of this particular variant (rs193929355) in MODY or Type II Diabetes yet.
ClinVar note: Reason: Outlier claim with insufficient supporting evidence

Literature cited by the submitters: PubMed 15448107 (cited by Women's Health and Genetics/Laboratory Corporation of America, LabCorp and Labcorp Genetics (formerly Invitae), Labcorp); PubMed 15718250 (cited by Women's Health and Genetics/Laboratory Corporation of America, LabCorp and Clinical Genomics, Uppaluri K&H Personalized Medicine Clinic); PubMed 16123337 (cited by Women's Health and Genetics/Laboratory Corporation of America, LabCorp); PubMed 16416420 (cited by Women's Health and Genetics/Laboratory Corporation of America, LabCorp); PubMed 16636122 (cited by Women's Health and Genetics/Laboratory Corporation of America, LabCorp); PubMed 16885550 (cited by Women's Health and Genetics/Laboratory Corporation of America, LabCorp); PubMed 16075046 (cited by Women's Health and Genetics/Laboratory Corporation of America, LabCorp); PubMed 17296510 (cited by Women's Health and Genetics/Laboratory Corporation of America, LabCorp); PubMed 16249427 (cited by Women's Health and Genetics/Laboratory Corporation of America, LabCorp); PubMed 16019717 (cited by Women's Health and Genetics/Laboratory Corporation of America, LabCorp); PubMed 17349054 (cited by Women's Health and Genetics/Laboratory Corporation of America, LabCorp); PubMed 18436707 (cited by Women's Health and Genetics/Laboratory Corporation of America, LabCorp); PubMed 18662362 (cited by Women's Health and Genetics/Laboratory Corporation of America, LabCorp); PubMed 18767144 (cited by Women's Health and Genetics/Laboratory Corporation of America, LabCorp); PubMed 27033559 (cited by Women's Health and Genetics/Laboratory Corporation of America, LabCorp); PubMed 21682153 (cited by Women's Health and Genetics/Laboratory Corporation of America, LabCorp and Labcorp Genetics (formerly Invitae), Labcorp); PubMed 17919178 (cited by Labcorp Genetics (formerly Invitae), Labcorp); PubMed 21544516 (cited by Labcorp Genetics (formerly Invitae), Labcorp); PubMed 32935446 (cited by Labcorp Genetics (formerly Invitae), Labcorp and Clinical Genomics, Uppaluri K&H Personalized Medicine Clinic); PubMed 20301620 (cited by GeneReviews); NCBI Bookshelf NBK1447 (cited by GeneReviews); PubMed 26448950 (cited by Clinical Genomics, Uppaluri K&H Personalized Medicine Clinic); PubMed 15580558 (cited by Clinical Genomics, Uppaluri K&H Personalized Medicine Clinic); PubMed 22701567 (cited by Clinical Genomics, Uppaluri K&H Personalized Medicine Clinic).